The following is an entry in ClinVar:

NM_000082.4(ERCC8):c.109_110del (p.Asp37fs)

Gene: ERCC8 (ERCC excision repair 8, CSA ubiquitin ligase complex subunit; minus strand). Cytogenetic location: 5q12.1.
Variant type: Microsatellite.
Coding change: c.109_110del on transcript NM_000082.4 (MANE Select); coding-DNA positions 109 to 110, 2 bases deleted (GA; older notation c.109_110delGA).
Protein change: p.Asp37fs; shifts the reading frame from aspartic acid 37.
Molecular consequence: frameshift variant. On other transcripts: 5 prime UTR variant (2).
Genome position (GRCh38, 1-based): chr5:60,928,927-60,928,928, TC deleted on the plus strand (GA on the coding strand, the reverse complement: ERCC8 is on the minus strand); deleting any 2 consecutive bases within chr5:60,928,927-60,928,931 gives the same sequence; the c. name uses the placement nearest the transcript's 3' end. VCF-style (leftmost placement, unchanged base first): chr5-60928926-ATC-A. GRCh37 (hg19) VCF-style: chr5-60224753-ATC-A.
Other names: c.109_110delGA (NM_000082.4); c.-286GA[1] (NM_001007233.3); c.109_110del, p.Asp37fs (NM_001007234.3); c.-271GA[1] (NM_001290285.2); short protein forms D37fs.
Identifiers: ClinVar variation 4536127 (VCV004536127.1).
Genomic context (GRCh38, chr5:60,928,926, plus strand): 5'-TCTCCCTTCAACAGGTTCAATGTCAAGGGTGTTAATTCCACCGCCGTGGATTCTTTCAAC[ATC>A]TCTGTCTTTATTTAATTCCAGTCCCAAAACTCTTAAAAATAAAAGGGGGAGAAAGAAATT-3'

ClinVar aggregate classification (germline): Pathogenic (1 of 4 stars; one submission).

Conditions:
Cockayne syndrome. Identifiers: Orphanet 191, MedGen C0009207, MONDO:0016006.

Submission:

Women's Health and Genetics/Laboratory Corporation of America, LabCorp
Classification: Pathogenic for Cockayne syndrome. Last evaluated: 2025-09-18. Review status: criteria provided, single submitter. Criteria: LabCorp Variant Classification Summary - May 2015. Collection method: clinical testing. Allele origin: germline.
Comment: Variant summary: ERCC8 c.109_110delGA (p.Asp37CysfsX2) results in a premature termination codon, predicted to cause a truncation of the encoded protein or absence of the protein due to nonsense mediated decay, which are commonly known mechanisms for disease. The variant was absent in 251194 control chromosomes. To our knowledge, no occurrence of c.109_110delGA in individuals affected with ERCC8-related conditions and no experimental evidence demonstrating its impact on protein function have been reported. No submitters have cited clinical-significance assessments for this variant to ClinVar. Based on the evidence outlined above, the variant was classified as pathogenic.